The following is an entry in ClinVar:

NM_001291303.3(FAT4):c.4941C>T (p.Asn1647=)

Gene: FAT4 (FAT atypical cadherin 4; plus strand). Cytogenetic location: 4q28.1.
Variant type: single nucleotide variant.
Coding change: c.4941C>T on transcript NM_001291303.3 (MANE Select); coding-DNA position 4941, C replaced by T.
Protein change: p.Asn1647=; no amino-acid change (asparagine 1647 retained).
Molecular consequence: synonymous variant.
Genome position (GRCh38, 1-based): chr4:125,321,352, C>T. VCF-style: chr4-125321352-C-T. GRCh37 (hg19) VCF-style: chr4-126242507-C-T.
Other names: c.4941C>T, p.Asn1647= (NM_001291285.3, NM_024582.6).
Identifiers: ClinVar variation 682361 (VCV000682361.11), dbSNP rs184884584, ClinGen allele CA3072542.

ClinVar aggregate classification (germline): Likely benign. Review status: criteria provided, multiple submitters, no conflicts (2 of 4 stars). 3 submissions from 3 submitters: Likely benign (2). 1 of the submissions does not count toward it. Last evaluated 2025-10-26.

Conditions:
FAT4-related disorder. Also called: FAT4-related condition.

Allele frequency attached by ClinVar (database versions not stated): ExAC 0.00007; gnomAD exomes 0.00007; gnomAD 0.00021; TOPMed 0.00028; ESP Exome Variant Server 0.00042; 1000 Genomes Project 0.00060; 1000 Genomes Project 30x 0.00078.
gnomAD v4.1: 77 of 1,614,060 alleles (0.0048%); highest among the groups gnomAD compares: African/African-American, 0.057%; no homozygotes.

Submissions (3):

Labcorp Genetics (formerly Invitae), Labcorp
Classification: Likely benign. Last evaluated: 2025-10-26. Review status: criteria provided, single submitter. Criteria: Invitae Variant Classification Sherloc (09022015). Collection method: clinical testing. Allele origin: germline.

GeneDx
Classification: Likely benign. Last evaluated: 2018-04-30. Review status: criteria provided, single submitter. Criteria: GeneDx Variant Classification (06012015). Collection method: clinical testing. Allele origin: germline. Affected: yes.
Comment: This variant is considered likely benign or benign based on one or more of the following criteria: it is a conservative change, it occurs at a poorly conserved position in the protein, it is predicted to be benign by multiple in silico algorithms, and/or has population frequency not consistent with disease.

PreventionGenetics, part of Exact Sciences
Classification: Likely benign for FAT4-related condition. Last evaluated: 2021-09-13. Review status: no assertion criteria provided. Collection method: clinical testing. Allele origin: germline. Not counted in ClinVar's aggregate classification.
Comment: This variant is classified as likely benign based on ACMG/AMP sequence variant interpretation guidelines (Richards et al. 2015 PMID: 25741868, with internal and published modifications).